The following is an entry in ClinVar:

NM_002838.5(PTPRC):c.1654T>G (p.Phe552Val)

Gene: PTPRC (protein tyrosine phosphatase receptor type C; plus strand). Cytogenetic location: 1q32.1.
Variant type: single nucleotide variant.
Coding change: c.1654T>G on transcript NM_002838.5 (MANE Select); coding-DNA position 1654, T replaced by G.
Protein change: p.Phe552Val; replaces phenylalanine 552 with valine.
Molecular consequence: missense variant.
Genome position (GRCh38, 1-based): chr1:198,718,297, T>G. VCF-style: chr1-198718297-T-G. GRCh37 (hg19) VCF-style: chr1-198687426-T-G.
Other names: c.1171T>G, p.Phe391Val (NM_080921.4); short protein forms F552V, F391V.
Identifiers: ClinVar variation 938982 (VCV000938982.10), dbSNP rs1653701472, ClinGen allele CA344039783.

ClinVar aggregate classification (germline): Uncertain significance (1 of 4 stars; one submission).

Conditions:
Immunodeficiency 104. Also called: Severe combined immunodeficiency, autosomal recessive, T cell-negative, B cell-positive, NK cell-positive; SCID, AUTOSOMAL RECESSIVE, T CELL-NEGATIVE, B CELL-POSITIVE, NK CELL-POSITIVE; Severe Combined Immune Deficiency, Autosomal Recessive, TCell -Negative, B Cell-Positive, NK Cell-Positive, IL7R-Related; IMMUNODEFICIENCY 104, SEVERE COMBINED. Identifiers: MedGen C5676890, MONDO:0012163, OMIM 608971.

Submission:

Labcorp Genetics (formerly Invitae), Labcorp
Classification: Uncertain significance for Immunodeficiency 104. Last evaluated: 2019-06-12. Review status: criteria provided, single submitter. Criteria: Invitae Variant Classification Sherloc (09022015). Collection method: clinical testing. Allele origin: germline.
Comment: This sequence change replaces phenylalanine with valine at codon 552 of the PTPRC protein (p.Phe552Val). The phenylalanine residue is moderately conserved and there is a small physicochemical difference between phenylalanine and valine. This variant is not present in population databases (ExAC no frequency). This variant has not been reported in the literature in individuals with PTPRC-related conditions. Algorithms developed to predict the effect of missense changes on protein structure and function (SIFT, PolyPhen-2, Align-GVGD) all suggest that this variant is likely to be tolerated, but these predictions have not been confirmed by published functional studies and their clinical significance is uncertain. In summary, the available evidence is currently insufficient to determine the role of this variant in disease. Therefore, it has been classified as a Variant of Uncertain Significance.